The following is an entry in ClinVar:

NM_004336.5(BUB1):c.1913T>C (p.Leu638Ser)

Gene: BUB1 (BUB1 mitotic checkpoint serine/threonine kinase; minus strand). Cytogenetic location: 2q13.
Variant type: single nucleotide variant.
Coding change: c.1913T>C on transcript NM_004336.5 (MANE Select); coding-DNA position 1913, T replaced by C.
Protein change: p.Leu638Ser; replaces leucine 638 with serine.
Molecular consequence: missense variant.
Genome position (GRCh38, 1-based): chr2:110,653,487, A>G on the plus strand (T>C on the coding strand, the complement: BUB1 is on the minus strand). VCF-style: chr2-110653487-A-G. GRCh37 (hg19) VCF-style: chr2-111411064-A-G.
Other names: c.1853T>C, p.Leu618Ser (NM_001278616.2); c.1913T>C, p.Leu638Ser (NM_001278617.2); short protein forms L618S, L638S.
Identifiers: ClinVar variation 1782537 (VCV001782537.3), dbSNP rs2467996458, ClinGen allele CA348210328.

ClinVar aggregate classification (germline): Uncertain significance (1 of 4 stars; one submission).

Submission:

Ambry Genetics
Classification: Uncertain significance. Last evaluated: 2024-11-08. Review status: criteria provided, single submitter. Criteria: Ambry Variant Classification Scheme 2023. Collection method: clinical testing. Allele origin: germline.
Comment: The p.L638S variant (also known as c.1913T>C), located in coding exon 17 of the BUB1 gene, results from a T to C substitution at nucleotide position 1913. The leucine at codon 638 is replaced by serine, an amino acid with dissimilar properties. This amino acid position is conserved. In addition, this alteration is predicted to be tolerated by in silico analysis. Since supporting evidence is limited at this time, the clinical significance of this alteration remains unclear.